The following is an entry in ClinVar:

ClinVar aggregate classification (germline): Uncertain significance (1 of 4 stars; one submission).

Conditions:
3-methylglutaconic aciduria, type VIIB (MGCA7B). Also called: CLPB Deficiency; 3-methylglutaconic aciduria with cataracts, neurologic involvement and neutropenia; 3-methylglutaconic aciduria, type VII, with cataracts, neurologic involvement and neutropenia. Identifiers: Orphanet 445038, MedGen C5676893, MONDO:0014561, OMIM 616271.

Submission:

Labcorp Genetics (formerly Invitae), Labcorp
Classification: Uncertain significance for 3-methylglutaconic aciduria, type VIIB. Last evaluated: 2023-05-14. Review status: criteria provided, single submitter. Criteria: Invitae Variant Classification Sherloc (09022015). Collection method: clinical testing. Allele origin: germline.
Comment: In summary, the available evidence is currently insufficient to determine the role of this variant in disease. Therefore, it has been classified as a Variant of Uncertain Significance. Variants that disrupt the consensus splice site are a relatively common cause of aberrant splicing (PMID: 17576681, 9536098). Algorithms developed to predict the effect of sequence changes on RNA splicing suggest that this variant may disrupt the consensus splice site. This variant has not been reported in the literature in individuals affected with CLPB-related conditions. This variant is not present in population databases (gnomAD no frequency). This sequence change falls in intron 11 of the CLPB gene. It does not directly change the encoded amino acid sequence of the CLPB protein. It affects a nucleotide within the consensus splice site.

Literature cited by the submitters: PubMed 17576681; PubMed 9536098.

NM_001258392.3(CLPB):c.1168-3C>G

Genes: CLPB (ClpB family mitochondrial disaggregase; minus strand), LOC126861258 (MED14-independent group 3 enhancer GRCh37_chr11:72012242-72013441; plus strand). Cytogenetic location: 11q13.4.
Variant type: single nucleotide variant.
Coding change: c.1168-3C>G on transcript NM_001258392.3 (MANE Select); 3 bases into the intron before coding-DNA position 1168, C replaced by G.
Molecular consequence: intron variant.
Genome position (GRCh38, 1-based): chr11:72,301,967, G>C on the plus strand (C>G on the coding strand, the complement: CLPB is on the minus strand). VCF-style: chr11-72301967-G-C. GRCh37 (hg19) VCF-style: chr11-72013011-G-C.
Other names: c.1081-3C>G (NM_001258393.3); c.1258-3C>G (NM_030813.6); c.1123-3C>G (NM_001258394.3).
Identifiers: ClinVar variation 2864257 (VCV002864257.3), dbSNP rs2539343858, ClinGen allele CA2739270688.
Genomic context (GRCh38, chr11:72,301,967, plus strand): 5'-GCTGGCCACCCTCCTCATGGCCAACGTAGCCTGGTGGAGACCCAATAAACTTGGCCACCT[G>C]GTAGAAGGAAGGAAACATGCTAGGAAGGCCTTTCTGTGCTTTTAGTTTCCAACATGGGGC-3'